The following is an entry in ClinVar:

ClinVar aggregate classification (germline): Conflicting classifications of pathogenicity. Review status: criteria provided, conflicting classifications (1 of 4 stars). 9 submissions from 9 submitters: Uncertain significance (1); Benign (3); Likely benign (4). 1 of the submissions does not count toward it. Last evaluated 2026-05-01.

Conditions:
MYH11-related disorder. Also called: MYH11-related condition.
Familial thoracic aortic aneurysm and aortic dissection (TAAD). Also called: Thoracic aortic aneurysms and dissections. Identifiers: Orphanet 91387, MedGen C4707243, MONDO:0019625.
Aortic aneurysm, familial thoracic 4 (AAT4). Also called: AORTIC ANEURYSM/AORTIC DISSECTION AND PATENT DUCTUS ARTERIOSUS. Identifiers: MedGen C1851504, MONDO:0007568, OMIM 132900.

Allele frequency attached by ClinVar (database versions not stated): gnomAD 0.00007; gnomAD exomes 0.00008 and 0.00038; 1000 Genomes Project 30x 0.00016; 1000 Genomes Project 0.00020; TOPMed 0.00025; ExAC 0.00026.
gnomAD v4.1: 126 of 1,613,262 alleles (0.0078%); highest among the groups gnomAD compares: Admixed American, 0.17%; 1 homozygote.

Submissions (9):

CeGaT Center for Human Genetics Tuebingen
Classification: Likely benign. Last evaluated: 2026-05-01. Review status: criteria provided, single submitter. Criteria: CeGaT Center For Human Genetics Tuebingen Variant Classification Criteria Version 2. Collection method: clinical testing. Allele origin: germline. Affected: yes. Observed: 7 variant alleles.
Comment: MYH11: BP4, BP7

Labcorp Genetics (formerly Invitae), Labcorp
Classification: Benign for Aortic aneurysm, familial thoracic 4. Last evaluated: 2025-12-20. Review status: criteria provided, single submitter. Criteria: Invitae Variant Classification Sherloc (09022015). Collection method: clinical testing. Allele origin: germline.

ARUP Laboratories, Molecular Genetics and Genomics, ARUP Laboratories
Classification: Likely benign. Last evaluated: 2024-12-09. Review status: criteria provided, single submitter. Criteria: ARUP Molecular Germline Variant Investigation Process 2024. Collection method: clinical testing. Allele origin: germline.

All of Us Research Program, National Institutes of Health
Classification: Benign for Familial thoracic aortic aneurysm and aortic dissection. Last evaluated: 2024-02-05. Review status: criteria provided, single submitter. Criteria: ACMG Guidelines, 2015. Collection method: clinical testing. Allele origin: germline. Inheritance: Autosomal dominant inheritance. Observed: 37 variant alleles, 37 heterozygotes.
Comment: This study involves interpretation of variants in research participants for the purpose of population health screening. Participant phenotype was not available at the time of variant classification. Additional details can be found in publication PMID: 35346344, PMCID: PMC8962531

GeneDx
Classification: Likely benign. Last evaluated: 2021-05-04. Review status: criteria provided, single submitter. Criteria: GeneDx Variant Classification Process June 2021. Collection method: clinical testing. Allele origin: germline. Affected: yes.

Color Diagnostics, LLC DBA Color Health
Classification: Benign for Familial thoracic aortic aneurysm and aortic dissection. Last evaluated: 2018-10-21. Review status: criteria provided, single submitter. Criteria: ACMG Guidelines, 2015. Collection method: clinical testing. Allele origin: germline.

Illumina Laboratory Services, Illumina
Classification: Uncertain significance for Aortic aneurysm, familial thoracic 4. Last evaluated: 2018-01-13. Review status: criteria provided, single submitter. Criteria: ICSL Variant Classification Criteria 13 December 2019. Collection method: clinical testing. Allele origin: germline.

Ambry Genetics
Classification: Likely benign for Familial thoracic aortic aneurysm and aortic dissection. Last evaluated: 2016-07-08. Review status: criteria provided, single submitter. Criteria: Ambry Variant Classification Scheme 2023. Collection method: clinical testing. Allele origin: germline.

PreventionGenetics, part of Exact Sciences
Classification: Likely benign for MYH11-related condition. Last evaluated: 2019-03-28. Review status: no assertion criteria provided. Collection method: clinical testing. Allele origin: germline. Not counted in ClinVar's aggregate classification.
Comment: This variant is classified as likely benign based on ACMG/AMP sequence variant interpretation guidelines (Richards et al. 2015 PMID: 25741868, with internal and published modifications).

NM_002474.3(MYH11):c.1056G>A (p.Ser352=)

Gene: MYH11 (myosin heavy chain 11; minus strand). Cytogenetic location: 16p13.11.
Variant type: single nucleotide variant.
Coding change: c.1056G>A on transcript NM_002474.3 (MANE Select); coding-DNA position 1056, G replaced by A.
Protein change: p.Ser352=; no amino-acid change (serine 352 retained).
Molecular consequence: synonymous variant.
Genome position (GRCh38, 1-based): chr16:15,763,869, C>T on the plus strand (G>A on the coding strand, the complement: MYH11 is on the minus strand). VCF-style: chr16-15763869-C-T. GRCh37 (hg19) VCF-style: chr16-15857726-C-T.
Other names: c.1077G>A, p.Ser359= (NM_001040113.2, NM_001040114.2); c.1056G>A, p.Ser352= (NM_022844.3).
Identifiers: ClinVar variation 263333 (VCV000263333.65), dbSNP rs201256839, ClinGen allele CA7922737.
Genomic context (GRCh38, chr16:15,763,869, plus strand): 5'-CATGGACGCCTGGTCTGTGTTTCTTTCCTTCTTGAAGACGATATTTCCAAGCTGCAGGAC[C>T]GATGATACCACCTTCAATATGGCTGAGGTGGGGAGAGAAGGGCAGAGCAGACACAAAGGT-3'
Protein context (NP_002465.1, residues 342-362): EQLSILKVVS[Ser352=]VLQLGNIVFK